The following is an entry in ClinVar:

ClinVar aggregate classification (germline): Uncertain significance. Review status: criteria provided, multiple submitters, no conflicts (2 of 4 stars). 2 submissions from 2 submitters: Uncertain significance (2). Last evaluated 2025-12-21.

Conditions:
Cardiovascular phenotype. Identifiers: MedGen CN230736.

gnomAD v4.1: 5 of 1,614,002 alleles (0.00031%); highest among the groups gnomAD compares: Non-Finnish European, 0.00042%; no homozygotes.

Submissions (2):

Ambry Genetics
Classification: Uncertain significance for Cardiovascular phenotype. Last evaluated: 2025-12-21. Review status: criteria provided, single submitter. Criteria: Ambry Variant Classification Scheme 2023. Collection method: clinical testing. Allele origin: germline.
Comment: The p.K1788E variant (also known as c.5362A>G), located in coding exon 37 of the RYR2 gene, results from an A to G substitution at nucleotide position 5362. The lysine at codon 1788 is replaced by glutamic acid, an amino acid with similar properties. This amino acid position is conserved. In addition, this alteration is predicted to be deleterious by in silico analysis. Based on the available evidence, the clinical significance of this variant remains unclear.

Blueprint Genetics
Classification: Uncertain significance. Last evaluated: 2021-06-07. Review status: criteria provided, single submitter. Criteria: ACMG Guidelines, 2015. Collection method: clinical testing. Allele origin: germline.

NM_001035.3(RYR2):c.5362A>G (p.Lys1788Glu)

Gene: RYR2 (ryanodine receptor 2; plus strand). Cytogenetic location: 1q43.
Variant type: single nucleotide variant.
Coding change: c.5362A>G on transcript NM_001035.3 (MANE Select); coding-DNA position 5362, A replaced by G.
Protein change: p.Lys1788Glu; replaces lysine 1788 with glutamic acid.
Molecular consequence: missense variant.
Genome position (GRCh38, 1-based): chr1:237,614,490, A>G. VCF-style: chr1-237614490-A-G. GRCh37 (hg19) VCF-style: chr1-237777790-A-G.
Other names: short protein forms K1788E.
Identifiers: ClinVar variation 4843933 (VCV004843933.2).